The following is an entry in ClinVar:

ClinVar aggregate classification (germline): Uncertain significance. Review status: criteria provided, multiple submitters, no conflicts (2 of 4 stars). 2 submissions from 2 submitters: Uncertain significance (2). Last evaluated 2025-06-27.

Conditions:
Niemann-Pick disease, type B. Also called: Chronic Visceral ASMD (Niemann-Pick Disease Type B; NPD-B). Identifiers: Orphanet 77293, MedGen C0268243, MONDO:0011871, OMIM 607616. Disease mechanism: loss of function.
Niemann-Pick disease, type A. Also called: Infantile Neurovisceral ASMD (Niemann-Pick Disease Type A; NPD-A); SPHINGOMYELIN LIPIDOSIS; SPHINGOMYELINASE DEFICIENCY. Identifiers: Orphanet 77292, MedGen C0268242, MONDO:0009756, OMIM 257200. Disease mechanism: loss of function.

Allele frequency attached by ClinVar (database versions not stated): gnomAD exomes below 0.00001; ExAC 0.00001.
gnomAD v4.1: 1 of 1,614,254 alleles (0.000062%); highest among the groups gnomAD compares: African/African-American, 0.0013%; no homozygotes.

Submissions (2):

Women's Health and Genetics/Laboratory Corporation of America, LabCorp
Classification: Uncertain significance. Last evaluated: 2025-06-27. Review status: criteria provided, single submitter. Criteria: LabCorp Variant Classification Summary - May 2015. Collection method: clinical testing. Allele origin: germline.
Comment: Variant summary: SMPD1 c.1666C>T (p.His556Tyr) results in a conservative amino acid change in the encoded protein sequence. Algorithms developed to predict the effect of missense changes on protein structure and function are either unavailable or do not agree on the potential impact of this missense change. The variant was absent in 251490 control chromosomes. The available data on variant occurrences in the general population are insufficient to allow any conclusion about variant significance. c.1666C>T has been observed in two individuals affected with Niemann-Pick disease, type A (Gucev_2013). These report(s) do not provide unequivocal conclusions about association of the variant with Niemann-Pick disease, type A. To our knowledge, no experimental evidence demonstrating an impact on protein function has been reported. The following publication have been ascertained in the context of this evaluation (PMID: 22367733). ClinVar contains an entry for this variant (Variation ID: 2925465). Based on the evidence outlined above, the variant was classified as uncertain significance.

Labcorp Genetics (formerly Invitae), Labcorp
Classification: Uncertain significance for Niemann-Pick disease, type B; Niemann-Pick disease, type A. Last evaluated: 2023-01-13. Review status: criteria provided, single submitter. Criteria: Invitae Variant Classification Sherloc (09022015). Collection method: clinical testing. Allele origin: germline.
Comment: This sequence change replaces histidine, which is basic and polar, with tyrosine, which is neutral and polar, at codon 556 of the SMPD1 protein (p.His556Tyr). In summary, the available evidence is currently insufficient to determine the role of this variant in disease. Therefore, it has been classified as a Variant of Uncertain Significance. Advanced modeling of protein sequence and biophysical properties (such as structural, functional, and spatial information, amino acid conservation, physicochemical variation, residue mobility, and thermodynamic stability) has been performed at Invitae for this missense variant, however the output from this modeling did not meet the statistical confidence thresholds required to predict the impact of this variant on SMPD1 protein function. This missense change has been observed in individual(s) with Niemann-Pick disease type B (PMID: 22367733). It has also been observed to segregate with disease in related individuals. This variant is present in population databases (rs780415152, gnomAD 0.007%).

Literature cited by the submitters: PubMed 22367733 (cited by Women's Health and Genetics/Laboratory Corporation of America, LabCorp and Labcorp Genetics (formerly Invitae), Labcorp).

NM_000543.5(SMPD1):c.1666C>T (p.His556Tyr)

Gene: SMPD1 (sphingomyelin phosphodiesterase 1; plus strand). Cytogenetic location: 11p15.4.
Variant type: single nucleotide variant.
Coding change: c.1666C>T on transcript NM_000543.5 (MANE Select); coding-DNA position 1666, C replaced by T.
Protein change: p.His556Tyr; replaces histidine 556 with tyrosine.
Molecular consequence: missense variant. On other transcripts: non-coding transcript variant (2), 3 prime UTR variant (1).
Genome position (GRCh38, 1-based): chr11:6,394,377, C>T. VCF-style: chr11-6394377-C-T. GRCh37 (hg19) VCF-style: chr11-6415607-C-T.
Other names: c.1663C>T, p.His555Tyr (NM_001007593.3); c.*159C>T (NM_001318087.2); c.745C>T, p.His249Tyr (NM_001318088.2); c.1534C>T, p.His512Tyr (NM_001365135.2); short protein forms H555Y, H249Y, H512Y, H556Y.
Identifiers: ClinVar variation 2925465 (VCV002925465.4), dbSNP rs780415152, ClinGen allele CA5852958.